The following is an entry in ClinVar:

ClinVar aggregate classification (germline): Likely benign. Review status: criteria provided, multiple submitters, no conflicts (2 of 4 stars). 4 submissions from 4 submitters: Likely benign (3). 1 of the submissions does not count toward it. Last evaluated 2026-01-23.

Conditions:
Congenital lactic acidosis, Saguenay-Lac-Saint-Jean type (MC4DN5). Also called: MITOCHONDRIAL COMPLEX IV DEFICIENCY, NUCLEAR TYPE 5; CYTOCHROME c OXIDASE DEFICIENCY, FRENCH CANADIAN TYPE; COX DEFICIENCY, FRENCH CANADIAN TYPE. Identifiers: Orphanet 70472, MedGen C1857355, MONDO:0009069, OMIM 220111.

Allele frequency attached by ClinVar (database versions not stated): TOPMed 0.00002; gnomAD 0.00004; gnomAD exomes 0.00005 and 0.00006; ExAC 0.00006; 1000 Genomes Project 30x 0.00016.
gnomAD v4.1: 85 of 1,607,982 alleles (0.0053%); highest among the groups gnomAD compares: Non-Finnish European, 0.0067%; no homozygotes.

Submissions (4):

Labcorp Genetics (formerly Invitae), Labcorp
Classification: Likely benign. Last evaluated: 2026-01-23. Review status: criteria provided, single submitter. Criteria: Invitae Variant Classification Sherloc (09022015). Collection method: clinical testing. Allele origin: germline.

Mayo Clinic Laboratories, Mayo Clinic
Classification: Likely benign. Last evaluated: 2025-04-28. Review status: criteria provided, single submitter. Criteria: ACMG Guidelines, 2015. Collection method: clinical testing. Allele origin: germline. Observed: 1 variant allele.
Comment: BP4, BP7

Blueprint Genetics
Classification: Likely benign. Last evaluated: 2024-05-27. Review status: criteria provided, single submitter. Criteria: ACMG Guidelines, 2015. Collection method: clinical testing. Allele origin: germline.

Natera, Inc.
Classification: Uncertain significance for French-Canadian type Leigh syndrome. Last evaluated: 2020-01-17. Review status: no assertion criteria provided. Collection method: clinical testing. Allele origin: germline. Not counted in ClinVar's aggregate classification.

NM_133259.4(LRPPRC):c.3999T>C (p.Asp1333=)

Gene: LRPPRC (leucine rich pentatricopeptide repeat containing; minus strand). Cytogenetic location: 2p21.
Variant type: single nucleotide variant.
Coding change: c.3999T>C on transcript NM_133259.4 (MANE Select); coding-DNA position 3999, T replaced by C.
Protein change: p.Asp1333=; no amino-acid change (aspartic acid 1333 retained).
Molecular consequence: synonymous variant.
Genome position (GRCh38, 1-based): chr2:43,889,863, A>G on the plus strand (T>C on the coding strand, the complement: LRPPRC is on the minus strand). VCF-style: chr2-43889863-A-G. GRCh37 (hg19) VCF-style: chr2-44117002-A-G.
Other names: p.Asp1333=.
Identifiers: ClinVar variation 793361 (VCV000793361.14), dbSNP rs202177904, ClinGen allele CA1637836.
Genomic context (GRCh38, chr2:43,889,863, plus strand): 5'-ATCATCCAATTTTGTATTCTTTGCAGTCAAATGTTCATACAGTGCTTTAGCAGATGTGAC[A>G]TCTTTCTCTGAGACTGACATAAAGAAAAAAATATATTAATCAGAGATAAAGACAACCTAT-3'
Protein context (NP_573566.2, residues 1323-1343): SLMKSYVSEK[Asp1333=]VTSAKALYEH